The following is an entry in ClinVar:

NM_025179.4(PLXNA2):c.5342C>G (p.Ser1781Cys)

Gene: PLXNA2 (plexin A2; minus strand). Cytogenetic location: 1q32.2.
Variant type: single nucleotide variant.
Coding change: c.5342C>G on transcript NM_025179.4 (MANE Select); coding-DNA position 5342, C replaced by G.
Protein change: p.Ser1781Cys; replaces serine 1781 with cysteine.
Molecular consequence: missense variant.
Genome position (GRCh38, 1-based): chr1:208,028,926, G>C on the plus strand (C>G on the coding strand, the complement: PLXNA2 is on the minus strand). VCF-style: chr1-208028926-G-C. GRCh37 (hg19) VCF-style: chr1-208202271-G-C.
Other names: short protein forms S1781C.
Identifiers: ClinVar variation 4992329 (VCV004992329.1).

ClinVar aggregate classification (germline): Uncertain significance (1 of 4 stars; one submission).

Conditions:
PLXNA2-related disorder. Also called: PLXNA2-related condition.

Submission:

PreventionGenetics, part of Exact Sciences
Classification: Uncertain significance for PLXNA2-related condition. Last evaluated: 2025-11-04. Review status: criteria provided, single submitter. Criteria: ACMG Guidelines, 2015. Collection method: clinical testing. Allele origin: germline.
Comment: The PLXNA2 c.5342C>G variant is predicted to result in the amino acid substitution p.Ser1781Cys. To our knowledge, this variant has not been reported in the literature or in a large population database (gnomAD), indicating this variant is rare. At this time, the clinical significance of this variant is uncertain due to the absence of conclusive functional and genetic evidence.